The following is an entry in ClinVar:

NM_001365693.1(MGAM):c.4655C>T (p.Thr1552Met)

Gene: MGAM (maltase-glucoamylase; plus strand). Cytogenetic location: 7q34.
Variant type: single nucleotide variant.
Coding change: c.4655C>T on transcript NM_001365693.1 (MANE Select); coding-DNA position 4655, C replaced by T.
Protein change: p.Thr1552Met; replaces threonine 1552 with methionine.
Molecular consequence: missense variant. On other transcripts: intron variant (1).
Genome position (GRCh38, 1-based): chr7:142,065,716, C>T. VCF-style: chr7-142065716-C-T. GRCh37 (hg19) VCF-style: chr7-141765516-C-T.
Other names: c.4618+248C>T (NM_004668.3); short protein forms T1552M.
Identifiers: ClinVar variation 2658102 (VCV002658102.24), dbSNP rs190699321, ClinGen allele CA168122787.

ClinVar aggregate classification (germline): Likely benign (1 of 4 stars; one submission).

Allele frequency attached by ClinVar (database versions not stated): TOPMed 0.00131; 1000 Genomes Project 30x 0.00141; gnomAD 0.00157; 1000 Genomes Project 0.00160; ExAC 0.00197; ESP Exome Variant Server 0.00262.
gnomAD v4.1: 2,895 of 1,590,130 alleles (0.18%); highest among the groups gnomAD compares: Non-Finnish European, 0.22%; 120 homozygotes.

Submission:

CeGaT Center for Human Genetics Tuebingen
Classification: Likely benign. Last evaluated: 2026-09-01. Review status: criteria provided, single submitter. Criteria: CeGaT Center For Human Genetics Tuebingen Variant Classification Criteria Version 2. Collection method: clinical testing. Allele origin: germline. Affected: yes. Observed: 3 variant alleles.
Comment: MGAM: BP4, BS2